The following is an entry in ClinVar:

NM_152703.5(SAMD9L):c.2228C>T (p.Pro743Leu)

Gene: SAMD9L (sterile alpha motif domain containing 9 like; minus strand). Cytogenetic location: 7q21.2.
Variant type: single nucleotide variant.
Coding change: c.2228C>T on transcript NM_152703.5 (MANE Select); coding-DNA position 2228, C replaced by T.
Protein change: p.Pro743Leu; replaces proline 743 with leucine.
Molecular consequence: missense variant.
Genome position (GRCh38, 1-based): chr7:93,133,744, G>A on the plus strand (C>T on the coding strand, the complement: SAMD9L is on the minus strand). VCF-style: chr7-93133744-G-A. GRCh37 (hg19) VCF-style: chr7-92763057-G-A.
Other names: c.2228C>T, p.Pro743Leu (NM_001303496.3, NM_001303497.3, NM_001303498.3 and 5 more transcripts); short protein forms P743L.
Identifiers: ClinVar variation 3949876 (VCV003949876.1).

ClinVar aggregate classification (germline): Uncertain significance (1 of 4 stars; one submission).

Conditions:
Inborn genetic diseases. Identifiers: MedGen C0950123, MeSH D030342.

Submission:

Ambry Genetics
Classification: Uncertain significance for Inborn genetic diseases. Last evaluated: 2025-04-28. Review status: criteria provided, single submitter. Criteria: Ambry Variant Classification Scheme 2023. Collection method: clinical testing. Allele origin: germline.
Comment: The p.P743L variant (also known as c.2228C>T), located in coding exon 1 of the SAMD9L gene, results from a C to T substitution at nucleotide position 2228. The proline at codon 743 is replaced by leucine, an amino acid with similar properties. This amino acid position is conserved. In addition, this alteration is predicted to be deleterious by in silico analysis. Based on the available evidence, the clinical significance of this variant remains unclear.